The following is an entry in ClinVar:

ClinVar aggregate classification (germline): Pathogenic. Review status: criteria provided, multiple submitters, no conflicts (2 of 4 stars). 8 submissions from 8 submitters: Pathogenic (6). 2 of the submissions do not count toward it. Last evaluated 2026-01-18.

Conditions:
GLB1-related disorder. Also called: GLB1-related disorders. Identifiers: MedGen CN377807.
GM1 gangliosidosis. Identifiers: Orphanet 354, MedGen C0085131, MONDO:0018149.
Infantile GM1 gangliosidosis. Also called: GM1-gangliosidosis, type I; Gangliosidosis, generalized GM1, infantile form; GLB1 deficiency; Gangliosidosis, Generalized GM1, Type 1; GM1 gangliosidosis type 1. Identifiers: Orphanet 354, Orphanet 79255, MedGen C0268271, MONDO:0009260, OMIM 230500.
Mucopolysaccharidosis, MPS-IV-B (MPS4B). Also called: Mucopolysaccharidosis Type IVB (Morquio B Disease); Mucopolysaccharidosis type IVB (Morquio); MPS IVB; MORQUIO SYNDROME B; Mucopolysaccharidosis type 4B; Mucopolysaccharidosis type IV B. Identifiers: Orphanet 309310, Orphanet 582, MedGen C0086652, MONDO:0009660, OMIM 253010.
GM1 gangliosidosis type 3. Also called: GM1-GANGLIOSIDOSIS, TYPE III; GANGLIOSIDOSIS, GENERALIZED GM1, ADULT TYPE; GANGLIOSIDOSIS, GENERALIZED GM1, CHRONIC TYPE; GANGLIOSIDOSIS, GENERALIZED GM1, TYPE III; Gangliosidosis, Generalized GM1, Type 3; Beta-galactosidase deficiency. Identifiers: Orphanet 79257, MedGen C0268273, MONDO:0009262, OMIM 230650.
GM1 gangliosidosis type 2. Also called: GM1-GANGLIOSIDOSIS, TYPE II; Juvenile GM>1< gangliosidosis; GANGLIOSIDOSIS, GENERALIZED GM1, JUVENILE TYPE; GANGLIOSIDOSIS, GENERALIZED GM1, TYPE II; Gangliosidosis, Generalized GM1, Type 2. Identifiers: Orphanet 354, Orphanet 79256, MedGen C0268272, MONDO:0009261, OMIM 230600.

Allele frequency attached by ClinVar (database versions not stated): ExAC 0.00001; gnomAD exomes 0.00001 and 0.00002; TOPMed 0.00002.
gnomAD v4.1: 24 of 1,613,818 alleles (0.0015%); highest among the groups gnomAD compares: Non-Finnish European, 0.002%; no homozygotes.

Submissions (8):

Natera, Inc.
Classification: Pathogenic for Mucopolysaccharidosis, MPS-IV-B. Last evaluated: 2026-01-18. Review status: criteria provided, single submitter. Criteria: Natera Variant Classification Schema (03/2026). Collection method: clinical testing. Allele origin: germline.
Comment: The c.1498A>G variant in GLB1 is a missense variant predicted to cause substitution of threonine to alanine at amino acid 500. This variant is rare in the general population with a frequency below the threshold expected for the associated phenotype(s). This variant has been observed in one or more individuals affected with the associated recessive disease, as either homozygous or compound heterozygous with a second variant (PMID: 33558080, 26108645). Given the available evidence, this variant is classified as Pathogenic.

Labcorp Genetics (formerly Invitae), Labcorp
Classification: Pathogenic for Mucopolysaccharidosis, MPS-IV-B; GM1 gangliosidosis. Last evaluated: 2025-07-23. Review status: criteria provided, single submitter. Criteria: Invitae Variant Classification Sherloc (09022015). Collection method: clinical testing. Allele origin: germline.
Comment: This sequence change replaces threonine, which is neutral and polar, with alanine, which is neutral and non-polar, at codon 500 of the GLB1 protein (p.Thr500Ala). This variant is present in population databases (rs72555368, gnomAD 0.003%). This missense change has been observed in individual(s) with Morquio B disease or GM1 gangliosidosis (PMID: 12393180, 17664528, 19472408, 26108645). ClinVar contains an entry for this variant (Variation ID: 942). Invitae Evidence Modeling of protein sequence and biophysical properties (such as structural, functional, and spatial information, amino acid conservation, physicochemical variation, residue mobility, and thermodynamic stability) indicates that this missense variant is expected to disrupt GLB1 protein function with a positive predictive value of 95%. For these reasons, this variant has been classified as Pathogenic.

Blueprint Genetics
Classification: Pathogenic for GLB1-related disorders. Last evaluated: 2023-06-05. Review status: criteria provided, single submitter. Criteria: ACMG Guidelines, 2015. Collection method: clinical testing. Allele origin: germline. Affected: yes. Observed: 5 variant alleles.

Laboratorio de Genetica e Diagnostico Molecular, Hospital Israelita Albert Einstein
Classification: Pathogenic for GM1 gangliosidosis type 3. Last evaluated: 2022-10-17. Review status: criteria provided, single submitter. Criteria: ACMG Guidelines, 2015. Collection method: clinical testing. Allele origin: germline. Affected: yes. Observed: 1 variant allele.
Comment: ACMG classification criteria: PM2 moderated, PM3 very strong, PP3 supporting

Women's Health and Genetics/Laboratory Corporation of America, LabCorp
Classification: Pathogenic for GM1 gangliosidosis. Last evaluated: 2022-08-25. Review status: criteria provided, single submitter. Criteria: LabCorp Variant Classification Summary - May 2015. Collection method: clinical testing. Allele origin: germline.
Comment: Variant summary: GLB1 c.1498A>G (p.Thr500Ala) results in a non-conservative amino acid change in the encoded protein sequence. Four of five in-silico tools predict a damaging effect of the variant on protein function. The variant allele was found at a frequency of 1.2e-05 in 246730 control chromosomes. c.1498A>G has been reported in the literature as a biallelic genotype in multiple individuals affected with GM1 Gangliosidosis (example, Bagshaw_2002, Santamaria_2007, Hofer_2009, Kannebley_2015). These data indicate that the variant is very likely to be associated with disease. At least one publication reports experimental evidence evaluating an impact on protein function. The most pronounced variant effect results in approximately 20% of normal beta-galactosidase enzyme activity in-vitro (example, Takai_2007). Three clinical diagnostic laboratories have submitted clinical-significance assessments for this variant to ClinVar after 2014 without evidence for independent evaluation. All laboratories classified the variant as pathogenic/likely pathogenic. Based on the evidence outlined above, the variant was classified as pathogenic.

Genetic Services Laboratory, University of Chicago
Classification: Pathogenic. Last evaluated: 2021-07-08. Review status: criteria provided, single submitter. Criteria: ACMG Guidelines, 2015. Collection method: clinical testing. Allele origin: germline. Affected: yes.
Comment: DNA sequence analysis of the GLB1 gene demonstrated a sequence change, c.1498A>G, in exon 15 that results in an amino acid change, p.Thr500Ala. This sequence change has been described in three non-Finnish European individuals in the gnomAD population database (dbSNP rs72555368). This sequence change has been previously described in the compound heterozygous state in individuals with GLB1-related disorders (PMIDs: 10841810, 31497487, 17664528, 26108645). The p.Thr500Ala change affects a highly conserved amino acid residue located in the beta domain 1 of the beta galactosidase 1 (GLB1) protein. Functional studies show p.Thr500Ala disrupts the GLB1 enzymatic activity (PMIDs: 19472408, 12393180). Collectively this evidence suggests p.Thr500Ala is pathogenic.

Counsyl
Classification: Likely pathogenic for Infantile GM1 gangliosidosis; GM1 gangliosidosis type 2; GM1 gangliosidosis type 3; Mucopolysaccharidosis, MPS-IV-B. Last evaluated: 2018-03-21. Review status: no assertion criteria provided. Collection method: clinical testing. Allele origin: unknown. Not counted in ClinVar's aggregate classification.

OMIM
Classification: Pathogenic for MUCOPOLYSACCHARIDOSIS, TYPE IVB. Last evaluated: 2001-08-01. Review status: no assertion criteria provided. Collection method: literature only. Allele origin: germline. Not counted in ClinVar's aggregate classification.

Literature cited by the submitters: PubMed 33558080 (cited by Natera, Inc.); PubMed 26108645 (cited by 4 submitters); PubMed 12393180 (cited by Labcorp Genetics (formerly Invitae), Labcorp and Women's Health and Genetics/Laboratory Corporation of America, LabCorp); PubMed 17664528 (cited by Labcorp Genetics (formerly Invitae), Labcorp and Women's Health and Genetics/Laboratory Corporation of America, LabCorp); PubMed 19472408 (cited by 3 submitters); PubMed 23337983 (cited by Women's Health and Genetics/Laboratory Corporation of America, LabCorp and Counsyl); PubMed 22128166 (cited by Counsyl); PubMed 21520340 (cited by Counsyl); PubMed 11511921 (cited by OMIM); PubMed 8922281 (cited by OMIM).

NM_000404.4(GLB1):c.1498A>G (p.Thr500Ala)

Gene: GLB1 (galactosidase beta 1; minus strand). Cytogenetic location: 3p22.3.
Variant type: single nucleotide variant.
Coding change: c.1498A>G on transcript NM_000404.4 (MANE Select); coding-DNA position 1498, A replaced by G.
Protein change: p.Thr500Ala; replaces threonine 500 with alanine.
Molecular consequence: missense variant.
Genome position (GRCh38, 1-based): chr3:33,014,292, T>C on the plus strand (A>G on the coding strand, the complement: GLB1 is on the minus strand). VCF-style: chr3-33014292-T-C. GRCh37 (hg19) VCF-style: chr3-33055784-T-C.
Other names: c.1408A>G, p.Thr470Ala (NM_001079811.3); c.1105A>G, p.Thr369Ala (NM_001135602.3); c.1642A>G, p.Thr548Ala (NM_001317040.2); c.1498A>G, p.Thr500Ala (NM_001393580.1); c.1498A>G (NM_000404.3); short protein forms T500A, T369A, T470A, T548A.
Identifiers: ClinVar variation 942 (VCV000000942.18), dbSNP rs72555368, ClinGen allele CA114660.